The following is an entry in ClinVar:

ClinVar aggregate classification (germline): Uncertain significance (1 of 4 stars; one submission).

Conditions:
Neuronal ceroid lipofuscinosis. Also called: Neuronal Ceroid Lipofuscinoses. Identifiers: Orphanet 216, Orphanet 79263, MedGen C0027877, MONDO:0016295. Disease mechanism: loss of function.

Allele frequency attached by ClinVar (database versions not stated): gnomAD exomes 0.00001; ExAC 0.00002.
gnomAD v4.1: 3 of 1,614,226 alleles (0.00019%); highest among the groups gnomAD compares: Admixed American, 0.0033%; no homozygotes.

Submission:

Labcorp Genetics (formerly Invitae), Labcorp
Classification: Uncertain significance for Neuronal ceroid lipofuscinosis. Last evaluated: 2023-11-22. Review status: criteria provided, single submitter. Criteria: Invitae Variant Classification Sherloc (09022015). Collection method: clinical testing. Allele origin: germline.
Comment: This sequence change replaces isoleucine, which is neutral and non-polar, with threonine, which is neutral and polar, at codon 244 of the CLN8 protein (p.Ile244Thr). This variant is present in population databases (rs778487425, gnomAD 0.003%). This variant has not been reported in the literature in individuals affected with CLN8-related conditions. ClinVar contains an entry for this variant (Variation ID: 2079679). Advanced modeling of protein sequence and biophysical properties (such as structural, functional, and spatial information, amino acid conservation, physicochemical variation, residue mobility, and thermodynamic stability) performed at Invitae indicates that this missense variant is not expected to disrupt CLN8 protein function with a negative predictive value of 80%. In summary, the available evidence is currently insufficient to determine the role of this variant in disease. Therefore, it has been classified as a Variant of Uncertain Significance.

NM_018941.4(CLN8):c.731T>C (p.Ile244Thr)

Gene: CLN8 (CLN8 transmembrane ER and ERGIC protein; plus strand). Cytogenetic location: 8p23.3.
Variant type: single nucleotide variant.
Coding change: c.731T>C on transcript NM_018941.4 (MANE Select); coding-DNA position 731, T replaced by C.
Protein change: p.Ile244Thr; replaces isoleucine 244 with threonine.
Molecular consequence: missense variant.
Genome position (GRCh38, 1-based): chr8:1,780,437, T>C. VCF-style: chr8-1780437-T-C. GRCh37 (hg19) VCF-style: chr8-1728603-T-C.
Other names: short protein forms I244T.
Identifiers: ClinVar variation 2079679 (VCV002079679.4), dbSNP rs778487425, ClinGen allele CA4599344.
Genomic context (GRCh38, chr8:1,780,437, plus strand): 5'-GCAGCCTGTATCTGCCTCATTTGACACTGTTCCTTGTCGGACTGGCTCTGCTTACGCTAA[T>C]CATTAATCCATATTGGACCCATAAGAAGACTCAGCAGCTTCTCAATCCGGTGGACTGGAA-3'
Protein context (NP_061764.2, residues 234-254): FLVGLALLTL[Ile244Thr]INPYWTHKKT